The following is an entry in ClinVar:

ClinVar aggregate classification (germline): Uncertain significance (1 of 4 stars; one submission).

Allele frequency attached by ClinVar (database versions not stated): gnomAD exomes 0.00003; ExAC 0.00005; gnomAD 0.00007; TOPMed 0.00009; 1000 Genomes Project 0.00040; 1000 Genomes Project 30x 0.00062.
gnomAD v4.1: 48 of 1,601,420 alleles (0.003%); highest among the groups gnomAD compares: Middle Eastern, 0.017%; no homozygotes.

Submission:

GeneDx
Classification: Uncertain significance. Last evaluated: 2022-04-06. Review status: criteria provided, single submitter. Criteria: GeneDx Variant Classification Process June 2021. Collection method: clinical testing. Allele origin: germline. Affected: yes.
Comment: In silico analysis supports that this missense variant has a deleterious effect on protein structure/function; Has not been previously published as pathogenic or benign to our knowledge; Variants in candidate genes are classified as variants of uncertain significance in accordance with ACMG guidelines (Richards et al., 2015)

NM_005560.6(LAMA5):c.1717C>T (p.Arg573Cys)

Gene: LAMA5 (laminin subunit alpha 5; minus strand). Cytogenetic location: 20q13.33.
Variant type: single nucleotide variant.
Coding change: c.1717C>T on transcript NM_005560.6 (MANE Select); coding-DNA position 1717, C replaced by T.
Protein change: p.Arg573Cys; replaces arginine 573 with cysteine.
Molecular consequence: missense variant.
Genome position (GRCh38, 1-based): chr20:62,338,271, G>A on the plus strand (C>T on the coding strand, the complement: LAMA5 is on the minus strand). VCF-style: chr20-62338271-G-A. GRCh37 (hg19) VCF-style: chr20-60913327-G-A.
Other names: short protein forms R573C.
Identifiers: ClinVar variation 2505903 (VCV002505903.1), dbSNP rs200807853, ClinGen allele CA9943786.